The following is an entry in ClinVar:

ClinVar aggregate classification (germline): Conflicting classifications of pathogenicity. Review status: criteria provided, conflicting classifications (1 of 4 stars). 7 submissions from 6 submitters: Uncertain significance (5); Likely benign (2). Last evaluated 2025-10-03.

Conditions:
Cataract 38. Also called: Cataract, autosomal recessive congenital 5; Cataract 38, autosomal recessive. Identifiers: Orphanet 91492, MedGen C3553494, MONDO:0013859, OMIM 614691.
Sengers syndrome. Also called: MITOCHONDRIAL DNA DEPLETION SYNDROME 10 (CARDIOMYOPATHIC TYPE); Cardiomyopathy and cataract. Identifiers: Orphanet 1369, MedGen C1859317, MONDO:0008922, OMIM 212350.
Mitochondrial disease. Also called: Mitochondrial disorders; Mitochondrial disorder. Identifiers: Orphanet 68380, MedGen C0751651, MeSH D028361, MONDO:0044970.
AGK-related disorder. Also called: AGK-related disorders; AGK-related condition. Identifiers: MedGen CN239194.
Inborn genetic diseases. Identifiers: MedGen C0950123, MeSH D030342.

Allele frequency attached by ClinVar (database versions not stated): gnomAD 0.00004 and 0.00009; ESP Exome Variant Server 0.00008; TOPMed 0.00008; gnomAD exomes 0.00020 and 0.00027; ExAC 0.00027.
gnomAD v4.1: 304 of 1,614,140 alleles (0.019%); highest among the groups gnomAD compares: South Asian, 0.19%; 3 homozygotes.

Submissions (7):

PreventionGenetics, part of Exact Sciences
Classification: Likely benign for AGK-related condition. Last evaluated: 2025-10-03. Review status: criteria provided, single submitter. Criteria: ACMG Guidelines, 2015. Collection method: clinical testing. Allele origin: germline.
Comment: This variant is classified as likely benign based on ACMG/AMP sequence variant interpretation guidelines (Richards et al. 2015 PMID: 25741868, with internal and published modifications).

Ambry Genetics
Classification: Likely benign for Inborn genetic diseases. Last evaluated: 2022-12-15. Review status: criteria provided, single submitter. Criteria: Ambry Variant Classification Scheme 2023. Collection method: clinical testing. Allele origin: germline.

Labcorp Genetics (formerly Invitae), Labcorp
Classification: Uncertain significance for Sengers syndrome; Cataract 38. Last evaluated: 2022-07-29. Review status: criteria provided, single submitter. Criteria: Invitae Variant Classification Sherloc (09022015). Collection method: clinical testing. Allele origin: germline.
Comment: This sequence change replaces leucine, which is neutral and non-polar, with phenylalanine, which is neutral and non-polar, at codon 19 of the AGK protein (p.Leu19Phe). This variant is present in population databases (rs367844999, gnomAD 0.1%). This variant has not been reported in the literature in individuals affected with AGK-related conditions. ClinVar contains an entry for this variant (Variation ID: 909780). Algorithms developed to predict the effect of missense changes on protein structure and function (SIFT, PolyPhen-2, Align-GVGD) all suggest that this variant is likely to be tolerated. In summary, the available evidence is currently insufficient to determine the role of this variant in disease. Therefore, it has been classified as a Variant of Uncertain Significance.

Fulgent Genetics
Classification: Uncertain significance for Sengers syndrome; Cataract 38. Last evaluated: 2022-04-29. Review status: criteria provided, single submitter. Criteria: ACMG Guidelines, 2015. Collection method: clinical testing. Allele origin: unknown.

Department of Pathology and Laboratory Medicine, Sinai Health System
Classification: Uncertain significance for mitochondrial disease. Last evaluated: 2020-05-15. Review status: criteria provided, single submitter. Criteria: ACMG Guidelines, 2015. Collection method: research. Allele origin: germline.

Illumina Laboratory Services, Illumina
Classification: Uncertain significance for Sengers syndrome. Last evaluated: 2018-01-12. Review status: criteria provided, single submitter. Criteria: ICSL Variant Classification Criteria 13 December 2019. Collection method: clinical testing. Allele origin: germline.

Illumina Laboratory Services, Illumina
Classification: Uncertain significance for Cataract 38. Last evaluated: 2018-01-12. Review status: criteria provided, single submitter. Criteria: ICSL Variant Classification Criteria 13 December 2019. Collection method: clinical testing. Allele origin: germline.

NM_018238.4(AGK):c.55C>T (p.Leu19Phe)

Gene: AGK (acylglycerol kinase; plus strand). Cytogenetic location: 7q34.
Variant type: single nucleotide variant.
Coding change: c.55C>T on transcript NM_018238.4 (MANE Select); coding-DNA position 55, C replaced by T.
Protein change: p.Leu19Phe; replaces leucine 19 with phenylalanine.
Molecular consequence: missense variant.
Genome position (GRCh38, 1-based): chr7:141,555,521, C>T. VCF-style: chr7-141555521-C-T. GRCh37 (hg19) VCF-style: chr7-141255321-C-T.
Other names: c.55C>T, p.Leu19Phe (NM_001364948.3); short protein forms L19F.
Identifiers: ClinVar variation 909780 (VCV000909780.10), dbSNP rs367844999, ClinGen allele CA4517274.
Genomic context (GRCh38, chr7:141,555,521, plus strand): 5'-TAGAAGATGACGGTGTTCTTTAAAACGCTTCGAAATCACTGGAAGAAAACTACAGCTGGG[C>T]TCTGCCTGCTGACCTGGGGAGGCCATTGGCTCTATGGAAAACACTGGTAACTATCTGACA-3'
Protein context (NP_060708.1, residues 9-29): RNHWKKTTAG[Leu19Phe]CLLTWGGHWL